The following is an entry in ClinVar:

NM_000492.4(CFTR):c.511dup (p.Val171fs)

Gene: CFTR (CF transmembrane conductance regulator; plus strand). Cytogenetic location: 7q31.2.
Variant type: Duplication.
Coding change: c.511dup on transcript NM_000492.4 (MANE Select); coding-DNA position 511, one base duplicated (G; older notation c.511dupG).
Protein change: p.Val171fs; shifts the reading frame from valine 171.
Molecular consequence: frameshift variant.
Genome position (GRCh38, 1-based): chr7:117,534,297, G duplicated. VCF-style (leftmost placement, unchanged base first): chr7-117534296-T-TG. GRCh37 (hg19) VCF-style: chr7-117174350-T-TG.
Other names: short protein forms V171fs.
Identifiers: ClinVar variation 4064568 (VCV004064568.2).
Genomic context (GRCh38, chr7:117,534,296, plus strand): 5'-TTGTTTGTTGAAATTATCTAACTTTCCATTTTTCTTTTAGACTTTAAAGCTGTCAAGCCG[T>TG]GTTCTAGATAAAATAAGTATTGGACAACTTGTTAGTCTCCTTTCCAACAACCTGAACAAA-3'

ClinVar aggregate classification (germline): Likely pathogenic (1 of 4 stars; one submission).

Conditions:
CFTR-related disorder (CFTR-RD). Also called: CFTR-related disorders; CFTR-related condition. Identifiers: MedGen C5924204, MONDO:7770004.

Submission:

Natera, Inc.
Classification: Likely pathogenic for CFTR-related disorders. Last evaluated: 2025-03-04. Review status: criteria provided, single submitter. Criteria: Natera Variant Classification Schema (03/2026). Collection method: clinical testing. Allele origin: germline.
Comment: The c.511dup variant in CFTR is a frameshift variant predicted to shift the reading frame beginning at codon 171 and leads to a stop codon 4 codons downstream. This variant is expected to result in nonsense mediated decay, truncation, or a dysfunctional protein product. This variant is rare in the general population with a frequency below the threshold expected for the associated phenotype(s). Given the available evidence, this variant is classified as Likely Pathogenic.